The following is an entry in ClinVar:

ClinVar aggregate classification (germline): Uncertain significance. Review status: criteria provided, multiple submitters, no conflicts (2 of 4 stars). 2 submissions from 2 submitters: Uncertain significance (2). Last evaluated 2024-10-15.

Conditions:
Colorectal cancer, hereditary nonpolyposis, type 7. Identifiers: Orphanet 144, MedGen C1858380, MONDO:0013725, OMIM 614385.

Allele frequency attached by ClinVar (database versions not stated): TOPMed 0.00002.

Submissions (2):

Ambry Genetics
Classification: Uncertain significance. Last evaluated: 2024-10-15. Review status: criteria provided, single submitter. Criteria: Ambry Variant Classification Scheme 2023. Collection method: clinical testing. Allele origin: germline.
Comment: The p.N248S variant (also known as c.743A>G), located in coding exon 1 of the MLH3 gene, results from an A to G substitution at nucleotide position 743. The asparagine at codon 248 is replaced by serine, an amino acid with highly similar properties. This amino acid position is not well conserved in available vertebrate species. In addition, this alteration is predicted to be tolerated by in silico analysis. The evidence for this gene-disease relationship is limited; therefore, the clinical significance of this alteration is unclear.

Labcorp Genetics (formerly Invitae), Labcorp
Classification: Uncertain significance for Colorectal cancer, hereditary nonpolyposis, type 7. Last evaluated: 2024-05-08. Review status: criteria provided, single submitter. Criteria: Invitae Variant Classification Sherloc (09022015). Collection method: clinical testing. Allele origin: germline.
Comment: This sequence change replaces asparagine, which is neutral and polar, with serine, which is neutral and polar, at codon 248 of the MLH3 protein (p.Asn248Ser). This variant is present in population databases (no rsID available, gnomAD 0.01%). This variant has not been reported in the literature in individuals affected with MLH3-related conditions. ClinVar contains an entry for this variant (Variation ID: 935361). An algorithm developed to predict the effect of missense changes on protein structure and function (PolyPhen-2) suggests that this variant is likely to be tolerated. In summary, the available evidence is currently insufficient to determine the role of this variant in disease. Therefore, it has been classified as a Variant of Uncertain Significance.

NM_001040108.2(MLH3):c.743A>G (p.Asn248Ser)

Gene: MLH3 (mutL homolog 3; minus strand). Cytogenetic location: 14q24.3.
Variant type: single nucleotide variant.
Coding change: c.743A>G on transcript NM_001040108.2 (MANE Select); coding-DNA position 743, A replaced by G.
Protein change: p.Asn248Ser; replaces asparagine 248 with serine.
Molecular consequence: missense variant.
Genome position (GRCh38, 1-based): chr14:75,048,913, T>C on the plus strand (A>G on the coding strand, the complement: MLH3 is on the minus strand). VCF-style: chr14-75048913-T-C. GRCh37 (hg19) VCF-style: chr14-75515616-T-C.
Other names: c.743A>G, p.Asn248Ser (NM_014381.3); short protein forms N248S.
Identifiers: ClinVar variation 935361 (VCV000935361.13), dbSNP rs1358270074, ClinGen allele CA390449306.